The following is an entry in ClinVar:

ClinVar aggregate classification (germline): Uncertain significance (1 of 4 stars; one submission).

Allele frequency attached by ClinVar (database versions not stated): gnomAD exomes below 0.00001 and 0.00001; TOPMed 0.00001.

Submission:

Labcorp Genetics (formerly Invitae), Labcorp
Classification: Uncertain significance. Last evaluated: 2025-09-02. Review status: criteria provided, single submitter. Criteria: Invitae Variant Classification Sherloc (09022015). Collection method: clinical testing. Allele origin: germline.
Comment: This sequence change replaces isoleucine, which is neutral and non-polar, with valine, which is neutral and non-polar, at codon 518 of the PDP1 protein (p.Ile518Val). This variant is present in population databases (no rsID available, gnomAD 0.002%). This variant has not been reported in the literature in individuals affected with PDP1-related conditions. ClinVar contains an entry for this variant (Variation ID: 1506920). An algorithm developed to predict the effect of missense changes on protein structure and function (PolyPhen-2) suggests that this variant is likely to be disruptive. In summary, the available evidence is currently insufficient to determine the role of this variant in disease. Therefore, it has been classified as a Variant of Uncertain Significance.

NM_018444.4(PDP1):c.1552A>G (p.Ile518Val)

Gene: PDP1 (pyruvate dehydrogenase phosphatase catalytic subunit 1; plus strand). Cytogenetic location: 8q22.1.
Variant type: single nucleotide variant.
Coding change: c.1552A>G on transcript NM_018444.4 (MANE Select); coding-DNA position 1552, A replaced by G.
Protein change: p.Ile518Val; replaces isoleucine 518 with valine.
Molecular consequence: missense variant.
Genome position (GRCh38, 1-based): chr8:93,923,611, A>G. VCF-style: chr8-93923611-A-G. GRCh37 (hg19) VCF-style: chr8-94935839-A-G.
Other names: c.1627A>G, p.Ile543Val (NM_001161779.2, NM_001161780.2); c.1552A>G, p.Ile518Val (NM_001161781.2); short protein forms I543V, I518V.
Identifiers: ClinVar variation 1506920 (VCV001506920.6), dbSNP rs960823238, ClinGen allele CA181376433.
Genomic context (GRCh38, chr8:93,923,611, plus strand): 5'-GAGCGCCTCTCTAAAATGCTTAGTCTTCCTGAAGAGCTTGCTCGAATGTACAGAGATGAC[A>G]TTACAATCATTGTAGTTCAGTTCAATTCTCATGTTGTAGGGGCGTATCAAAACCAAGAAT-3'
Protein context (NP_060914.2, residues 508-528): EELARMYRDD[Ile518Val]TIIVVQFNSH